The following is an entry in ClinVar:

NM_001031689.3(PLAA):c.1429T>C (p.Tyr477His)

Gene: PLAA (phospholipase A2 activating protein; minus strand). Cytogenetic location: 9p21.2.
Variant type: single nucleotide variant.
Coding change: c.1429T>C on transcript NM_001031689.3 (MANE Select); coding-DNA position 1429, T replaced by C.
Protein change: p.Tyr477His; replaces tyrosine 477 with histidine.
Molecular consequence: missense variant. On other transcripts: intron variant (1).
Genome position (GRCh38, 1-based): chr9:26,917,154, A>G on the plus strand (T>C on the coding strand, the complement: PLAA is on the minus strand). VCF-style: chr9-26917154-A-G. GRCh37 (hg19) VCF-style: chr9-26917152-A-G.
Other names: c.1429T>C (NM_001031689.2); c.1417+2156T>C (NM_001321546.2); short protein forms Y477H.
Identifiers: ClinVar variation 2196845 (VCV002196845.4), dbSNP rs1824589683, ClinGen allele CA373131338.

ClinVar aggregate classification (germline): Uncertain significance. Review status: criteria provided, multiple submitters, no conflicts (2 of 4 stars). 2 submissions from 2 submitters: Uncertain significance (2). Last evaluated 2025-08-27.

Conditions:
Inborn genetic diseases. Identifiers: MedGen C0950123, MeSH D030342.

Submissions (2):

Ambry Genetics
Classification: Uncertain significance for Inborn genetic diseases. Last evaluated: 2025-08-27. Review status: criteria provided, single submitter. Criteria: Ambry Variant Classification Scheme 2023. Collection method: clinical testing. Allele origin: germline.

Labcorp Genetics (formerly Invitae), Labcorp
Classification: Uncertain significance. Last evaluated: 2022-03-19. Review status: criteria provided, single submitter. Criteria: Invitae Variant Classification Sherloc (09022015). Collection method: clinical testing. Allele origin: germline.
Comment: Algorithms developed to predict the effect of missense changes on protein structure and function are either unavailable or do not agree on the potential impact of this missense change (SIFT: "Tolerated"; PolyPhen-2: "Possibly Damaging"; Align-GVGD: "Class C0"). This variant has not been reported in the literature in individuals affected with PLAA-related conditions. This variant is not present in population databases (gnomAD no frequency). This sequence change replaces tyrosine, which is neutral and polar, with histidine, which is basic and polar, at codon 477 of the PLAA protein (p.Tyr477His). In summary, the available evidence is currently insufficient to determine the role of this variant in disease. Therefore, it has been classified as a Variant of Uncertain Significance.